The following is an entry in ClinVar:

ClinVar aggregate classification (germline): Pathogenic/Likely pathogenic. Review status: criteria provided, multiple submitters, no conflicts (2 of 4 stars). 2 submissions from 2 submitters: Pathogenic (1); Likely pathogenic (1). Last evaluated 2025-05-05.

Conditions:
TH-deficient dopa-responsive dystonia. Also called: Tyrosine Hydroxylase-Deficient Dopa-Responsive Dystonia; Segawa syndrome, autosomal recessive; DYT-TH. Identifiers: Orphanet 101150, MedGen C2673535, MONDO:0011551, OMIM 605407.

Allele frequency attached by ClinVar (database versions not stated): gnomAD 0.00001; 1000 Genomes Project 30x 0.00016; 1000 Genomes Project 0.00020.

Submissions (2):

Natera, Inc.
Classification: Likely pathogenic for Autosomal recessive Segawa syndrome. Last evaluated: 2025-05-05. Review status: criteria provided, single submitter. Criteria: Natera Variant Classification Schema (03/2026). Collection method: clinical testing. Allele origin: germline.
Comment: The c.734G>T variant in TH is a missense variant predicted to cause substitution of arginine to methionine at amino acid 245. This variant is rare in the general population with a frequency below the threshold expected for the associated phenotype(s). This variant has been observed in one or more individuals affected with the associated recessive disease, as either homozygous or compound heterozygous with a second variant (PMID: 34054692, 32153140, 32185155). This variant has been identified in one or more affected individual with a phenotype highly consistent with the associated gene (PMID: 34054692). Computational prediction algorithms indicate this variant is likely to affect gene or protein function. Given the available evidence, this variant is classified as Likely Pathogenic.

Baylor Genetics
Classification: Pathogenic for TH-deficient dopa-responsive dystonia. Last evaluated: 2023-07-17. Review status: criteria provided, single submitter. Criteria: ACMG Guidelines, 2015. Collection method: clinical testing. Allele origin: unknown.

Literature cited by the submitters: PubMed 34054692 (cited by Natera, Inc.); PubMed 32153140 (cited by Natera, Inc.); PubMed 32185155 (cited by Natera, Inc.).

NM_000360.4(TH):c.641G>T (p.Arg214Met)

Gene: TH (tyrosine hydroxylase; minus strand). Cytogenetic location: 11p15.5.
Variant type: single nucleotide variant.
Coding change: c.641G>T on transcript NM_000360.4 (MANE Select); coding-DNA position 641, G replaced by T.
Protein change: p.Arg214Met; replaces arginine 214 with methionine.
Molecular consequence: missense variant.
Genome position (GRCh38, 1-based): chr11:2,167,869, C>A on the plus strand (G>T on the coding strand, the complement: TH is on the minus strand). VCF-style: chr11-2167869-C-A. GRCh37 (hg19) VCF-style: chr11-2189099-C-A.
Other names: c.734G>T, p.Arg245Met (NM_199292.3); c.722G>T, p.Arg241Met (NM_199293.3); c.734G>T (NM_199292.2); short protein forms R214M, R241M, R245M.
Identifiers: ClinVar variation 2679202 (VCV002679202.3), dbSNP rs562363231, ClinGen allele CA216286476.